The following is an entry in ClinVar:

ClinVar aggregate classification (germline): Uncertain significance (1 of 4 stars; one submission).

Conditions:
Early-infantile DEE. Also called: Early infantile epileptic encephalopathy with suppression bursts; Ohtahara syndrome; Early infantile epileptic encephalopathy. Identifiers: Orphanet 1934, MedGen C0393706, MONDO:0800491.

Allele frequency attached by ClinVar (database versions not stated): gnomAD exomes 0.00002 and 0.00001; ExAC 0.00002.
gnomAD v4.1: 6 of 1,614,196 alleles (0.00037%); highest among the groups gnomAD compares: Non-Finnish European, 0.00051%; no homozygotes.

Submission:

Labcorp Genetics (formerly Invitae), Labcorp
Classification: Uncertain significance for Early-infantile DEE. Last evaluated: 2022-08-09. Review status: criteria provided, single submitter. Criteria: Invitae Variant Classification Sherloc (09022015). Collection method: clinical testing. Allele origin: germline.
Comment: In summary, the available evidence is currently insufficient to determine the role of this variant in disease. Therefore, it has been classified as a Variant of Uncertain Significance. Algorithms developed to predict the effect of missense changes on protein structure and function are either unavailable or do not agree on the potential impact of this missense change (SIFT: "Tolerated"; PolyPhen-2: "Not Available"; Align-GVGD: "Class C0"). ClinVar contains an entry for this variant (Variation ID: 1363168). This variant has not been reported in the literature in individuals affected with SPTAN1-related conditions. This variant is present in population databases (rs764323424, gnomAD 0.004%). This sequence change replaces isoleucine, which is neutral and non-polar, with valine, which is neutral and non-polar, at codon 1522 of the SPTAN1 protein (p.Ile1522Val).

NM_001130438.3(SPTAN1):c.4564A>G (p.Ile1522Val)

Gene: SPTAN1 (spectrin alpha, non-erythrocytic 1; plus strand). Cytogenetic location: 9q34.11.
Variant type: single nucleotide variant.
Coding change: c.4564A>G on transcript NM_001130438.3 (MANE Select); coding-DNA position 4564, A replaced by G.
Protein change: p.Ile1522Val; replaces isoleucine 1522 with valine.
Molecular consequence: missense variant.
Genome position (GRCh38, 1-based): chr9:128,608,946, A>G. VCF-style: chr9-128608946-A-G. GRCh37 (hg19) VCF-style: chr9-131371225-A-G.
Other names: c.4600A>G, p.Ile1534Val (NM_001375318.1, NM_001375312.2); c.4564A>G, p.Ile1522Val (NM_003127.4, NM_001363759.2, NM_001375310.1 and 2 more transcripts); c.4504A>G, p.Ile1502Val (NM_001195532.2, NM_001363765.2, NM_001375314.2); short protein forms I1502V, I1534V, I1522V.
Identifiers: ClinVar variation 1363168 (VCV001363168.9), dbSNP rs764323424, ClinGen allele CA5265216.